The following is an entry in ClinVar:

ClinVar aggregate classification (germline): Benign (0 of 4 stars; one submission).

Conditions:
ARFGEF3-related disorder. Also called: ARFGEF3-related condition.

Allele frequency attached by ClinVar (database versions not stated): gnomAD exomes 0.00324; ExAC 0.01020; gnomAD 0.03125; TOPMed 0.03542; ESP Exome Variant Server 0.03644; 1000 Genomes Project 0.03874; 1000 Genomes Project 30x 0.04154.
gnomAD v4.1: 9,684 of 1,613,942 alleles (0.6%); highest among the groups gnomAD compares: African/African-American, 11%; 450 homozygotes.

Submission:

PreventionGenetics, part of Exact Sciences
Classification: Benign for ARFGEF3-related condition. Last evaluated: 2019-02-18. Review status: no assertion criteria provided. Collection method: clinical testing. Allele origin: germline.
Comment: This variant is classified as benign based on ACMG/AMP sequence variant interpretation guidelines (Richards et al. 2015 PMID: 25741868, with internal and published modifications).

NM_020340.5(ARFGEF3):c.1644G>A (p.Leu548=)

Gene: ARFGEF3 (ARFGEF family member 3; plus strand). Cytogenetic location: 6q23.3.
Variant type: single nucleotide variant.
Coding change: c.1644G>A on transcript NM_020340.5 (MANE Select); coding-DNA position 1644, G replaced by A.
Protein change: p.Leu548=; no amino-acid change (leucine 548 retained).
Molecular consequence: synonymous variant.
Genome position (GRCh38, 1-based): chr6:138,263,127, G>A. VCF-style: chr6-138263127-G-A. GRCh37 (hg19) VCF-style: chr6-138584264-G-A.
Identifiers: ClinVar variation 3042271 (VCV003042271.2), dbSNP rs9494985, ClinGen allele CA4020623.